The following is an entry in ClinVar:

ClinVar aggregate classification (germline): Uncertain significance (1 of 4 stars; one submission).

Conditions:
Amyotrophic lateral sclerosis type 1 (ALS1). Also called: AMYOTROPHIC LATERAL SCLEROSIS 1, FAMILIAL. Identifiers: Orphanet 803, MedGen C1862939, MONDO:0007103, OMIM 105400.
Perry syndrome. Also called: PARKINSONISM WITH ALVEOLAR HYPOVENTILATION AND MENTAL DEPRESSION. Identifiers: Orphanet 178509, MedGen C1868594, MONDO:0008201, OMIM 168605.
Neuronopathy, distal hereditary motor, type 7B. Also called: LOWER MOTOR NEURON DISEASE, DYNACTIN TYPE; NEURONOPATHY, DISTAL HEREDITARY MOTOR, AUTOSOMAL DOMINANT 14; NEURONOPATHY, DISTAL HEREDITARY MOTOR, HARDING TYPE VIIB; NEUROPATHY, DISTAL HEREDITARY MOTOR, HARDING TYPE VIIB; NEUROPATHY, DISTAL HEREDITARY MOTOR, WITH VOCAL CORD PARALYSIS, HARDING TYPE VIIB; HMN VIIB. Identifiers: Orphanet 139589, MedGen C1843315, MONDO:0011879, OMIM 607641.

Allele frequency attached by ClinVar (database versions not stated): gnomAD exomes below 0.00001; gnomAD 0.00001; TOPMed 0.00001.
gnomAD v4.1: 2 of 1,611,894 alleles (0.00012%); highest among the groups gnomAD compares: Admixed American, 0.0033%; no homozygotes.

Submission:

Labcorp Genetics (formerly Invitae), Labcorp
Classification: Uncertain significance for Amyotrophic lateral sclerosis type 1; Neuronopathy, distal hereditary motor, type 7B; Perry syndrome. Last evaluated: 2021-12-18. Review status: criteria provided, single submitter. Criteria: Invitae Variant Classification Sherloc (09022015). Collection method: clinical testing. Allele origin: germline.
Comment: In summary, the available evidence is currently insufficient to determine the role of this variant in disease. Therefore, it has been classified as a Variant of Uncertain Significance. Variants that disrupt the consensus splice site are a relatively common cause of aberrant splicing (PMID: 17576681, 9536098). Algorithms developed to predict the effect of sequence changes on RNA splicing suggest that this variant is not likely to affect RNA splicing. This variant has not been reported in the literature in individuals affected with DCTN1-related conditions. This variant is not present in population databases (gnomAD no frequency). This sequence change falls in intron 27 of the DCTN1 gene. It does not directly change the encoded amino acid sequence of the DCTN1 protein. It affects a nucleotide within the consensus splice site.

Literature cited by the submitters: PubMed 17576681; PubMed 9536098.

NM_004082.5(DCTN1):c.3212-3C>T

Gene: DCTN1 (dynactin subunit 1; minus strand). Cytogenetic location: 2p13.1.
Variant type: single nucleotide variant.
Coding change: c.3212-3C>T on transcript NM_004082.5 (MANE Select); 3 bases into the intron before coding-DNA position 3212, C replaced by T.
Molecular consequence: intron variant.
Genome position (GRCh38, 1-based): chr2:74,363,430, G>A on the plus strand (C>T on the coding strand, the complement: DCTN1 is on the minus strand). VCF-style: chr2-74363430-G-A. GRCh37 (hg19) VCF-style: chr2-74590557-G-A.
Other names: c.3086-3C>T (NM_001190836.2); c.3143-3C>T (NM_001378992.1); c.3161-3C>T (NM_001378991.1); c.3137-3C>T (NM_001135040.3); c.3191-3C>T (NM_001190837.2); c.2795-3C>T (NM_001135041.3); c.2810-3C>T (NM_023019.4).
Identifiers: ClinVar variation 2201689 (VCV002201689.4), dbSNP rs1330005029, ClinGen allele CA892906515.